The following is an entry in ClinVar:

ClinVar aggregate classification (germline): not provided (0 of 4 stars; one submission).

Conditions:
Familial long QT syndrome (RWS). Also called: Congenital long QT syndrome; Romano-Ward syndrome; VENTRICULAR FIBRILLATION WITH PROLONGED QT INTERVAL. Identifiers: Orphanet 768, MedGen C1141890, MONDO:0019171.

Submission:

Cardiovascular Biomedical Research Unit, Royal Brompton & Harefield NHS Foundation Trust
No classification provided. Condition: Familial long QT syndrome. Review status: no classification provided. Collection method: literature only. Allele origin: germline.
Comment: This variant has been reported as associated with Long QT syndrome in the following publications (PMID:19716085). This is a literature report, and does not necessarily reflect the clinical interpretation of the Imperial College / Royal Brompton Cardiovascular Genetics laboratory.

Literature cited by the submitters: PubMed 19716085; PubMed 22581653.

NM_000218.3(KCNQ1):c.1165T>C (p.Ser389Pro)

Gene: KCNQ1 (potassium voltage-gated channel subfamily Q member 1; plus strand). Cytogenetic location: 11p15.5.
Variant type: single nucleotide variant.
Coding change: c.1165T>C on transcript NM_000218.3 (MANE Select); coding-DNA position 1165, T replaced by C.
Protein change: p.Ser389Pro; replaces serine 389 with proline.
Molecular consequence: missense variant.
Genome position (GRCh38, 1-based): chr11:2,587,606, T>C. VCF-style: chr11-2587606-T-C. GRCh37 (hg19) VCF-style: chr11-2608836-T-C.
Other names: c.1165T>C (LRG_287t1); c.1069T>C, p.Ser357Pro (NM_001406836.1); c.895T>C, p.Ser299Pro (NM_001406837.1); c.625T>C, p.Ser209Pro (NM_001406838.1); c.784T>C, p.Ser262Pro (NM_181798.2); short protein forms S389P, S262P, S299P, S209P, S357P.
Identifiers: ClinVar variation 67018 (VCV000067018.3), dbSNP rs199472772, ClinGen allele CA005423.
Genomic context (GRCh38, chr11:2,587,606, plus strand): 5'-GCCTGTCCCCCTGCCCGACCTCAGACCGCATGGAGGTGCTATGCTGCCGAGAACCCCGAC[T>C]CCTCCACCTGGAAGATCTACATCCGGAAGGCCCCCCGGAGCCACACTCTGCTGTCACCCA-3'
Protein context (NP_000209.2, residues 379-399): WRCYAAENPD[Ser389Pro]STWKIYIRKA